The following is an entry in ClinVar:

ClinVar aggregate classification (germline): Likely pathogenic (1 of 4 stars; one submission).

Submission:

Illumina Laboratory Services, Illumina
Classification: Likely pathogenic. Last evaluated: 2022-08-30. Review status: criteria provided, single submitter. Criteria: ICSL CNVClassificationCriteria Aug2020. Collection method: clinical testing. Allele origin: unknown. Affected: yes.
Comment: The MID1 c.385del (p.Asp129ThrfsTer3) variant results in the deletion of a nucleotide at position c.385, causing a shift in the protein reading frame that is predicted to result in premature termination of the protein. Loss of normal protein function through either protein truncation or nonsense-mediated mRNA decay is expected. To our knowledge, this variant has not been reported in the peer-reviewed literature. This variant is not found in version 2.1.1 or version 3.1.2 of the Genome Aggregation Database. Based on the available evidence, the c.385del (p.Asp129ThrfsTer3) variant is classified as likely pathogenic for X-linked Opitz G/BBB syndrome.

NM_000381.4(MID1):c.385del (p.Asp129fs)

Gene: MID1 (midline 1; minus strand). Cytogenetic location: Xp22.2.
Variant type: Deletion.
Coding change: c.385del on transcript NM_000381.4 (MANE Select); coding-DNA position 385, one base deleted (G; older notation c.385delG).
Protein change: p.Asp129fs; shifts the reading frame from aspartic acid 129.
Molecular consequence: frameshift variant.
Genome position (GRCh38, 1-based): chrX:10,567,163, C deleted on the plus strand (G on the coding strand, the reverse complement: MID1 is on the minus strand); the first of 2 consecutive C bases (chrX:10,567,163-10,567,164); deleting either gives the same sequence. VCF-style (leftmost placement, unchanged base first): chrX-10567162-TC-T. GRCh37 (hg19) VCF-style: chrX-10535202-TC-T.
Other names: c.385del, p.Asp129fs (NM_001098624.2, NM_001193277.1, NM_001193278.1 and 5 more transcripts); short protein forms D129fs.
Identifiers: ClinVar variation 2429394 (VCV002429394.3), dbSNP rs2519200725, ClinGen allele CA2580100006.